The following is an entry in ClinVar:

NM_014159.7(SETD2):c.3208G>T (p.Val1070Leu)

Gene: SETD2 (SET domain containing 2, histone lysine methyltransferase; minus strand). Cytogenetic location: 3p21.31.
Variant type: single nucleotide variant.
Coding change: c.3208G>T on transcript NM_014159.7 (MANE Select); coding-DNA position 3208, G replaced by T.
Protein change: p.Val1070Leu; replaces valine 1070 with leucine.
Molecular consequence: missense variant. On other transcripts: non-coding transcript variant (1).
Genome position (GRCh38, 1-based): chr3:47,121,428, C>A on the plus strand (G>T on the coding strand, the complement: SETD2 is on the minus strand). VCF-style: chr3-47121428-C-A. GRCh37 (hg19) VCF-style: chr3-47162918-C-A.
Other names: c.3076G>T, p.Val1026Leu (NM_001349370.3); short protein forms V1026L, V1070L.
Identifiers: ClinVar variation 4689999 (VCV004689999.1).

ClinVar aggregate classification (germline): Uncertain significance (1 of 4 stars; one submission).

Submission:

GeneDx
Classification: Uncertain significance. Last evaluated: 2025-07-31. Review status: criteria provided, single submitter. Criteria: GeneDx Variant Classification Process June 2021. Collection method: clinical testing. Allele origin: germline. Affected: yes.
Comment: Not observed at significant frequency in large population cohorts (gnomAD); V1070L was reported in an infant with severe infection in published literature; however, no further clinical details were provided (PMID: 31350389); In silico analysis suggests that this missense variant does not alter protein structure/function; This variant is associated with the following publications: (PMID: 31350389)